The following is an entry in ClinVar:

NM_016464.5(TMEM138):c.454T>A (p.Trp152Arg)

Gene: TMEM138 (transmembrane protein 138; plus strand). Cytogenetic location: 11q12.2.
Variant type: single nucleotide variant.
Coding change: c.454T>A on transcript NM_016464.5 (MANE Select); coding-DNA position 454, T replaced by A.
Protein change: p.Trp152Arg; replaces tryptophan 152 with arginine.
Molecular consequence: missense variant. On other transcripts: non-coding transcript variant (1).
Genome position (GRCh38, 1-based): chr11:61,368,674, T>A. VCF-style: chr11-61368674-T-A. GRCh37 (hg19) VCF-style: chr11-61136146-T-A.
Other names: c.280T>A, p.Trp94Arg (NM_001330281.2); c.*518T>A (NM_001410999.1); short protein forms W152R, W94R.
Identifiers: ClinVar variation 2010354 (VCV002010354.4), dbSNP rs1181334772, ClinGen allele CA380680664.

ClinVar aggregate classification (germline): Uncertain significance. Review status: criteria provided, multiple submitters, no conflicts (2 of 4 stars). 2 submissions from 2 submitters: Uncertain significance (2). Last evaluated 2024-06-17.

Conditions:
Joubert syndrome 16 (JBTS16). Identifiers: Orphanet 2318, MedGen C3280906, MONDO:0013764, OMIM 614465.

Submissions (2):

Fulgent Genetics
Classification: Uncertain significance for Joubert syndrome 16. Last evaluated: 2024-06-17. Review status: criteria provided, single submitter. Criteria: ACMG Guidelines, 2015. Collection method: clinical testing. Allele origin: germline.

Labcorp Genetics (formerly Invitae), Labcorp
Classification: Uncertain significance for Joubert syndrome 16. Last evaluated: 2022-10-25. Review status: criteria provided, single submitter. Criteria: Invitae Variant Classification Sherloc (09022015). Collection method: clinical testing. Allele origin: germline.
Comment: This sequence change replaces tryptophan, which is neutral and slightly polar, with arginine, which is basic and polar, at codon 152 of the TMEM138 protein (p.Trp152Arg). This variant is not present in population databases (gnomAD no frequency). This variant has not been reported in the literature in individuals affected with TMEM138-related conditions. Algorithms developed to predict the effect of missense changes on protein structure and function (SIFT, PolyPhen-2, Align-GVGD) all suggest that this variant is likely to be disruptive. In summary, the available evidence is currently insufficient to determine the role of this variant in disease. Therefore, it has been classified as a Variant of Uncertain Significance.